The following is an entry in ClinVar:

ClinVar aggregate classification (germline): Uncertain significance. Review status: criteria provided, multiple submitters, no conflicts (2 of 4 stars). 3 submissions from 3 submitters: Uncertain significance (3). Last evaluated 2025-07-14.

Conditions:
Inborn genetic diseases. Identifiers: MedGen C0950123, MeSH D030342.

gnomAD v4.1: 126 of 1,604,482 alleles (0.0079%); highest among the groups gnomAD compares: Non-Finnish European, 0.01%; no homozygotes.

Submissions (3):

Ambry Genetics
Classification: Uncertain significance for Inborn genetic diseases. Last evaluated: 2025-07-14. Review status: criteria provided, single submitter. Criteria: Ambry Variant Classification Scheme 2023. Collection method: clinical testing. Allele origin: germline.

Blueprint Genetics
Classification: Uncertain significance. Last evaluated: 2024-03-05. Review status: criteria provided, single submitter. Criteria: ACMG Guidelines, 2015. Collection method: clinical testing. Allele origin: germline.

Labcorp Genetics (formerly Invitae), Labcorp
Classification: Uncertain significance. Last evaluated: 2022-04-25. Review status: criteria provided, single submitter. Criteria: Invitae Variant Classification Sherloc (09022015). Collection method: clinical testing. Allele origin: germline.
Comment: This sequence change replaces isoleucine, which is neutral and non-polar, with methionine, which is neutral and non-polar, at codon 1237 of the TRPM1 protein (p.Ile1237Met). This variant is present in population databases (rs201195793, gnomAD 0.01%). This variant has not been reported in the literature in individuals affected with TRPM1-related conditions. Algorithms developed to predict the effect of missense changes on protein structure and function are either unavailable or do not agree on the potential impact of this missense change (SIFT: "Deleterious"; PolyPhen-2: "Possibly Damaging"; Align-GVGD: "Class C0"). In summary, the available evidence is currently insufficient to determine the role of this variant in disease. Therefore, it has been classified as a Variant of Uncertain Significance.

NM_001252024.2(TRPM1):c.3777C>G (p.Ile1259Met)

Gene: TRPM1 (transient receptor potential cation channel subfamily M member 1; minus strand). Cytogenetic location: 15q13.3.
Variant type: single nucleotide variant.
Coding change: c.3777C>G on transcript NM_001252024.2 (MANE Select); coding-DNA position 3777, C replaced by G.
Protein change: p.Ile1259Met; replaces isoleucine 1259 with methionine.
Molecular consequence: missense variant.
Genome position (GRCh38, 1-based): chr15:31,002,923, G>C on the plus strand (C>G on the coding strand, the complement: TRPM1 is on the minus strand). VCF-style: chr15-31002923-G-C. GRCh37 (hg19) VCF-style: chr15-31295126-G-C.
Other names: c.3711C>G (NM_002420.4); c.3828C>G, p.Ile1276Met (NM_001252020.2); c.3711C>G, p.Ile1237Met (NM_002420.6); short protein forms I1259M, I1237M, I1276M.
Identifiers: ClinVar variation 2064802 (VCV002064802.6), dbSNP rs201195793, ClinGen allele CA7451764.
Genomic context (GRCh38, chr15:31,002,923, plus strand): 5'-ATACGTTGCCTCACATTCAGAAGAAGCCCGGGACCGTGCCTGGATCAGGTCAGACCTGTC[G>C]ATTCCCGCAAGATTTTCAAGAGCATTCACCATTCTGTTAGATAATTCTTCTAGCTGAGCA-3'
Protein context (NP_001238953.1, residues 1249-1269): MVNALENLAG[Ile1259Met]DRSDLIQARS